The following is an entry in ClinVar:

NM_001035.3(RYR2):c.10468G>A (p.Ala3490Thr)

Gene: RYR2 (ryanodine receptor 2; plus strand). Cytogenetic location: 1q43.
Variant type: single nucleotide variant.
Coding change: c.10468G>A on transcript NM_001035.3 (MANE Select); coding-DNA position 10468, G replaced by A.
Protein change: p.Ala3490Thr; replaces alanine 3490 with threonine.
Molecular consequence: missense variant.
Genome position (GRCh38, 1-based): chr1:237,717,342, G>A. VCF-style: chr1-237717342-G-A. GRCh37 (hg19) VCF-style: chr1-237880642-G-A.
Other names: short protein forms A3490T.
Identifiers: ClinVar variation 2059276 (VCV002059276.4), dbSNP rs1321141557, ClinGen allele CA345414823.
Genomic context (GRCh38, chr1:237,717,342, plus strand): 5'-CTGAAGCGGTTACTGCCCATTGGGTTGAACATCTGTGCCCCTGGGGACCAGGAGCTCATT[G>A]CTCTGGCCAAAAATCGATTTAGCCTGGTAAGTCTCCTTTTCATCCCAGCGGTAATGATCA-3'
Protein context (NP_001026.2, residues 3480-3500): ICAPGDQELI[Ala3490Thr]LAKNRFSLKD

ClinVar aggregate classification (germline): Uncertain significance (1 of 4 stars; one submission).

Conditions:
Catecholaminergic polymorphic ventricular tachycardia 1. Also called: VENTRICULAR TACHYCARDIA, STRESS-INDUCED POLYMORPHIC 1; VENTRICULAR TACHYCARDIA, CATECHOLAMINERGIC POLYMORPHIC, 1, WITH OR WITHOUT ATRIAL DYSFUNCTION AND/OR DILATED CARDIOMYOPATHY; RYR2-Related Catecholaminergic Polymorphic Ventricular Tachycardia. Identifiers: Orphanet 3286, MedGen C1631597, MONDO:0011484, OMIM 604772.

Submission:

Labcorp Genetics (formerly Invitae), Labcorp
Classification: Uncertain significance for Catecholaminergic polymorphic ventricular tachycardia 1. Last evaluated: 2022-07-06. Review status: criteria provided, single submitter. Criteria: Invitae Variant Classification Sherloc (09022015). Collection method: clinical testing. Allele origin: germline.
Comment: This variant is not present in population databases (gnomAD no frequency). This sequence change replaces alanine, which is neutral and non-polar, with threonine, which is neutral and polar, at codon 3490 of the RYR2 protein (p.Ala3490Thr). This variant has not been reported in the literature in individuals affected with RYR2-related conditions. In summary, the available evidence is currently insufficient to determine the role of this variant in disease. Therefore, it has been classified as a Variant of Uncertain Significance. Advanced modeling of protein sequence and biophysical properties (such as structural, functional, and spatial information, amino acid conservation, physicochemical variation, residue mobility, and thermodynamic stability) performed at Invitae indicates that this missense variant is not expected to disrupt RYR2 protein function.